The following is an entry in ClinVar:

ClinVar aggregate classification (germline): Benign. Review status: criteria provided, multiple submitters, no conflicts (2 of 4 stars). 3 submissions from 3 submitters: Benign (3). Last evaluated 2026-01-12.

Conditions:
Microcephaly, normal intelligence and immunodeficiency (NBS). Also called: BERLIN BREAKAGE SYNDROME; Immunodeficiency, microcephaly with normal intelligence; Ataxia telangiectasia variant V1; Microcephaly with normal intelligence immunodeficiency and lymphoreticular malignancies; Nonsyndromal microcephaly autosomal recessive with normal intelligence; Seemanova syndrome 2. Identifiers: Orphanet 647, MedGen C0398791, MONDO:0009623, OMIM 251260.

Submissions (3):

Labcorp Genetics (formerly Invitae), Labcorp
Classification: Benign for Microcephaly, normal intelligence and immunodeficiency. Last evaluated: 2026-01-12. Review status: criteria provided, single submitter. Criteria: Invitae Variant Classification Sherloc (09022015). Collection method: clinical testing. Allele origin: germline.

ARUP Laboratories, Molecular Genetics and Genomics, ARUP Laboratories
Classification: Benign. Last evaluated: 2023-11-28. Review status: criteria provided, single submitter. Criteria: ARUP Molecular Germline Variant Investigation Process 2024. Collection method: clinical testing. Allele origin: germline.

GeneDx
Classification: Benign. Last evaluated: 2019-02-07. Review status: criteria provided, single submitter. Criteria: GeneDx Variant Classification Process June 2021. Collection method: clinical testing. Allele origin: germline. Affected: yes.
Comment: This variant is associated with the following publications: (PMID: 19523210)

NC_000008.11:g.89984913_89984916del

Gene: NBN (nibrin; minus strand). Cytogenetic location: 8q21.3.
Variant type: Deletion.
Genome position: GRCh38 VCF-style: chr8-89984909-ATACT-A. GRCh37 (hg19) VCF-style: chr8-90997137-ATACT-A.
Identifiers: ClinVar variation 1164691 (VCV001164691.10), dbSNP rs36226237, ClinGen allele CA181286329.